The following is an entry in ClinVar:

NM_153638.4(PANK2):c.104C>T (p.Pro35Leu)

Gene: PANK2 (pantothenate kinase 2; plus strand). Cytogenetic location: 20p13.
Variant type: single nucleotide variant.
Coding change: c.104C>T on transcript NM_153638.4; coding-DNA position 104, C replaced by T.
Protein change: p.Pro35Leu; replaces proline 35 with leucine.
Molecular consequence: missense variant. On other transcripts: intron variant (1).
Genome position (GRCh38, 1-based): chr20:3,889,204, C>T. VCF-style: chr20-3889204-C-T. GRCh37 (hg19) VCF-style: chr20-3869851-C-T.
Other names: c.104C>T, p.Pro35Leu (NM_001324192.1); c.-246+300C>T (NM_024960.6); short protein forms P35L.
Identifiers: ClinVar variation 896296 (VCV000896296.8), dbSNP rs769505139, ClinGen allele CA9750485.

ClinVar aggregate classification (germline): Uncertain significance. Review status: criteria provided, multiple submitters, no conflicts (2 of 4 stars). 2 submissions from 2 submitters: Uncertain significance (2). Last evaluated 2025-09-25.

Conditions:
Pigmentary pallidal degeneration (NBIA1). Also called: HARP SYNDROME; Pantothenate Kinase-Associated Neurodegeneration; PKAN NEUROAXONAL DYSTROPHY, JUVENILE-ONSET; Neuroaxonal dystrophy, late infantile; Hallervorden-Spatz disease; Neurodegeneration with brain iron accumulation 1. Identifiers: Orphanet 157850, MedGen C0018523, MONDO:0009319, OMIM 234200.

Allele frequency attached by ClinVar (database versions not stated): gnomAD 0.00001; gnomAD exomes 0.00001; TOPMed 0.00003; ExAC 0.00001.
gnomAD v4.1: 15 of 1,612,522 alleles (0.00093%); highest among the groups gnomAD compares: African/African-American, 0.0067%; no homozygotes.

Submissions (2):

Dasa
Classification: Uncertain significance. Last evaluated: 2025-09-25. Review status: criteria provided, single submitter. Criteria: DASA Assertion Criteria. Collection method: clinical testing. Allele origin: germline.
Comment: NM_001324192.1(PANK2):c.104C>T (p.Pro35Leu) is a missense variant that results in the substitution of proline with leucine. This variant is rare in population databases. The currently available literature and clinical evidence are not sufficient to establish a definitive association between this variant and the reported condition. Therefore, this variant is classified as a variant of uncertain significance.

Illumina Laboratory Services, Illumina
Classification: Uncertain significance for Pigmentary pallidal degeneration. Last evaluated: 2017-04-27. Review status: criteria provided, single submitter. Criteria: ICSL Variant Classification Criteria 13 December 2019. Collection method: clinical testing. Allele origin: germline.